The following is an entry in ClinVar:

ClinVar aggregate classification (germline): Uncertain significance (1 of 4 stars; one submission).

Submission:

GeneDx
Classification: Uncertain significance. Last evaluated: 2024-12-17. Review status: criteria provided, single submitter. Criteria: GeneDx Variant Classification Process June 2021. Collection method: clinical testing. Allele origin: germline.
Comment: Not observed at significant frequency in large population cohorts (gnomAD); In silico analysis supports that this missense variant has a deleterious effect on protein structure/function; Has not been previously published as pathogenic or benign to our knowledge

NM_175748.4(UBR7):c.113T>C (p.Leu38Pro)

Gene: UBR7 (ubiquitin protein ligase E3 component n-recognin 7; plus strand). Cytogenetic location: 14q32.12.
Variant type: single nucleotide variant.
Coding change: c.113T>C on transcript NM_175748.4 (MANE Select); coding-DNA position 113, T replaced by C.
Protein change: p.Leu38Pro; replaces leucine 38 with proline.
Molecular consequence: missense variant. On other transcripts: non-coding transcript variant (1).
Genome position (GRCh38, 1-based): chr14:93,207,404, T>C. VCF-style: chr14-93207404-T-C. GRCh37 (hg19) VCF-style: chr14-93673749-T-C.
Other names: short protein forms L38P.
Identifiers: ClinVar variation 3343652 (VCV003343652.2).